The following is an entry in ClinVar:

ClinVar aggregate classification (germline): Uncertain significance (1 of 4 stars; one submission).

Submission:

Labcorp Genetics (formerly Invitae), Labcorp
Classification: Uncertain significance. Last evaluated: 2022-10-26. Review status: criteria provided, single submitter. Criteria: Invitae Variant Classification Sherloc (09022015). Collection method: clinical testing. Allele origin: germline.
Comment: Algorithms developed to predict the effect of missense changes on protein structure and function are either unavailable or do not agree on the potential impact of this missense change (SIFT: "Tolerated"; PolyPhen-2: "Probably Damaging"; Align-GVGD: "Class C0"). In summary, the available evidence is currently insufficient to determine the role of this variant in disease. Therefore, it has been classified as a Variant of Uncertain Significance. This variant has not been reported in the literature in individuals affected with FRMD7-related conditions. This variant is not present in population databases (gnomAD no frequency). This sequence change replaces asparagine, which is neutral and polar, with serine, which is neutral and polar, at codon 224 of the FRMD7 protein (p.Asn224Ser).

NM_194277.3(FRMD7):c.671A>G (p.Asn224Ser)

Gene: FRMD7 (FERM domain containing 7; minus strand). Cytogenetic location: Xq26.2.
Variant type: single nucleotide variant.
Coding change: c.671A>G on transcript NM_194277.3 (MANE Select); coding-DNA position 671, A replaced by G.
Protein change: p.Asn224Ser; replaces asparagine 224 with serine.
Molecular consequence: missense variant.
Genome position (GRCh38, 1-based): chrX:132,084,560, T>C on the plus strand (A>G on the coding strand, the complement: FRMD7 is on the minus strand). VCF-style: chrX-132084560-T-C. GRCh37 (hg19) VCF-style: chrX-131218588-T-C.
Other names: c.626A>G, p.Asn209Ser (NM_001306193.2); short protein forms N209S, N224S.
Identifiers: ClinVar variation 1721647 (VCV001721647.5), dbSNP rs2520746576, ClinGen allele CA414680863.
Genomic context (GRCh38, chrX:132,084,560, plus strand): 5'-GCATGAAGTTTGATGAGAAAATGCTTTCTCTTAAAACTCAACTTGCGGATTTTAGCCCAG[T>C]TAAAAGTATTGATCTTTGTATTTCCCTACAATGAAAAATGTGGCAGATTTCAGAATGTAT-3'
Protein context (NP_919253.1, residues 214-234): LRGNTKINTF[Asn224Ser]WAKIRKLSFK